The following is an entry in ClinVar:

ClinVar aggregate classification (germline): Uncertain significance. Review status: criteria provided, multiple submitters, no conflicts (2 of 4 stars). 3 submissions from 3 submitters: Uncertain significance (3). Last evaluated 2025-04-01.

Conditions:
Hereditary sensory and autonomic neuropathy type 7. Also called: Neuropathy, hereditary sensory and autonomic, type VII; HSAN VII. Identifiers: Orphanet 391397, MedGen C3809882, MONDO:0014244, OMIM 615548.
Familial episodic pain syndrome with predominantly lower limb involvement. Also called: Episodic pain syndrome, familial, 3. Identifiers: Orphanet 391384, Orphanet 391392, MedGen C3809899, MONDO:0014247, OMIM 615552.
Inborn genetic diseases. Identifiers: MedGen C0950123, MeSH D030342.

Allele frequency attached by ClinVar (database versions not stated): TOPMed below 0.00001; gnomAD exomes 0.00001.
gnomAD v4.1: 6 of 1,613,808 alleles (0.00037%); highest among the groups gnomAD compares: Admixed American, 0.0067%; no homozygotes.

Submissions (3):

CeGaT Center for Human Genetics Tuebingen
Classification: Uncertain significance. Last evaluated: 2025-04-01. Review status: criteria provided, single submitter. Criteria: CeGaT Center For Human Genetics Tuebingen Variant Classification Criteria Version 2. Collection method: clinical testing. Allele origin: germline. Affected: yes. Observed: 1 variant allele.
Comment: SCN11A: PM2

Ambry Genetics
Classification: Uncertain significance for Inborn genetic diseases. Last evaluated: 2024-12-03. Review status: criteria provided, single submitter. Criteria: Ambry Variant Classification Scheme 2023. Collection method: clinical testing. Allele origin: germline.

Labcorp Genetics (formerly Invitae), Labcorp
Classification: Uncertain significance for Familial episodic pain syndrome with predominantly lower limb involvement; Hereditary sensory and autonomic neuropathy type 7. Last evaluated: 2022-12-23. Review status: criteria provided, single submitter. Criteria: Invitae Variant Classification Sherloc (09022015). Collection method: clinical testing. Allele origin: germline.
Comment: This sequence change replaces aspartic acid, which is acidic and polar, with valine, which is neutral and non-polar, at codon 1433 of the SCN11A protein (p.Asp1433Val). This variant is present in population databases (no rsID available, gnomAD 0.0009%). This variant has not been reported in the literature in individuals affected with SCN11A-related conditions. Advanced modeling of protein sequence and biophysical properties (such as structural, functional, and spatial information, amino acid conservation, physicochemical variation, residue mobility, and thermodynamic stability) performed at Invitae indicates that this missense variant is expected to disrupt SCN11A protein function. In summary, the available evidence is currently insufficient to determine the role of this variant in disease. Therefore, it has been classified as a Variant of Uncertain Significance.

NM_001349253.2(SCN11A):c.4298A>T (p.Asp1433Val)

Gene: SCN11A (sodium voltage-gated channel alpha subunit 11; minus strand). Cytogenetic location: 3p22.2.
Variant type: single nucleotide variant.
Coding change: c.4298A>T on transcript NM_001349253.2 (MANE Select); coding-DNA position 4298, A replaced by T.
Protein change: p.Asp1433Val; replaces aspartic acid 1433 with valine.
Molecular consequence: missense variant.
Genome position (GRCh38, 1-based): chr3:38,850,510, T>A on the plus strand (A>T on the coding strand, the complement: SCN11A is on the minus strand). VCF-style: chr3-38850510-T-A. GRCh37 (hg19) VCF-style: chr3-38892001-T-A.
Other names: c.4298A>T, p.Asp1433Val (NM_014139.3); c.4298A>T (NM_014139.2); short protein forms D1433V.
Identifiers: ClinVar variation 2931483 (VCV002931483.11), dbSNP rs1416899628, ClinGen allele CA352165281.